The following is an entry in ClinVar:

NM_000368.5(TSC1):c.2604C>T (p.Asn868=)

Gene: TSC1 (TSC complex subunit 1; minus strand). Cytogenetic location: 9q34.13.
Variant type: single nucleotide variant.
Coding change: c.2604C>T on transcript NM_000368.5 (MANE Select); coding-DNA position 2604, C replaced by T.
Protein change: p.Asn868=; no amino-acid change (asparagine 868 retained).
Molecular consequence: synonymous variant.
Genome position (GRCh38, 1-based): chr9:132,900,736, G>A on the plus strand (C>T on the coding strand, the complement: TSC1 is on the minus strand). VCF-style: chr9-132900736-G-A. GRCh37 (hg19) VCF-style: chr9-135776123-G-A.
Other names: c.2601C>T, p.Asn867= (NM_001162426.2); c.2451C>T, p.Asn817= (NM_001162427.2); c.2241C>T, p.Asn747= (NM_001362177.2).
Identifiers: ClinVar variation 466088 (VCV000466088.24), dbSNP rs147163264, ClinGen allele CA033487.

ClinVar aggregate classification (germline): Benign/Likely benign. Review status: criteria provided, multiple submitters, no conflicts (2 of 4 stars). 7 submissions from 7 submitters: Benign (3); Likely benign (4). Last evaluated 2026-01-28.

Conditions:
Hereditary cancer-predisposing syndrome. Also called: Hereditary neoplastic syndrome; Neoplastic Syndromes, Hereditary; Hereditary Cancer Syndrome; Tumor predisposition. Identifiers: Orphanet 140162, MedGen C0027672, MeSH D009386, MONDO:0015356.
Tuberous sclerosis 1 (TSC1). Identifiers: Orphanet 805, MedGen C1854465, MONDO:0008612, OMIM 191100.
Tuberous sclerosis syndrome (TSC). Also called: Tuberous Sclerosis Complex; Tuberous sclerosis. Identifiers: Orphanet 805, MedGen C0041341, MONDO:0001734.

Allele frequency attached by ClinVar (database versions not stated): gnomAD 0.00001; gnomAD exomes 0.00001 and 0.00002; TOPMed 0.00001; ExAC 0.00002; ESP Exome Variant Server 0.00008.
gnomAD v4.1: 9 of 1,614,040 alleles (0.00056%); highest among the groups gnomAD compares: Non-Finnish European, 0.00076%; no homozygotes.

Submissions (7):

Labcorp Genetics (formerly Invitae), Labcorp
Classification: Benign for Tuberous sclerosis 1. Last evaluated: 2026-01-28. Review status: criteria provided, single submitter. Criteria: Invitae Variant Classification Sherloc (09022015). Collection method: clinical testing. Allele origin: germline.

Myriad Genetics, Inc.
Classification: Benign for Tuberous sclerosis 1. Last evaluated: 2025-04-28. Review status: criteria provided, single submitter. Criteria: Myriad Autosomal Dominant, Autosomal Recessive and X-Linked Classification Criteria (2023). Collection method: clinical testing. Allele origin: unknown.
Comment: This variant is considered benign. This variant is a silent/synonymous amino acid change and it is not expected to impact splicing.

All of Us Research Program, National Institutes of Health
Classification: Likely benign for Tuberous sclerosis syndrome. Last evaluated: 2024-06-09. Review status: criteria provided, single submitter. Criteria: ACMG Guidelines, 2015. Collection method: clinical testing. Allele origin: germline. Inheritance: Autosomal dominant inheritance. Observed: 8 variant alleles, 8 heterozygotes.
Comment: This study involves interpretation of variants in research participants for the purpose of population health screening. Participant phenotype was not available at the time of variant classification. Additional details can be found in publication PMID: 35346344, PMCID: PMC8962531

Blueprint Genetics
Classification: Likely benign. Last evaluated: 2024-02-23. Review status: criteria provided, single submitter. Criteria: ACMG Guidelines, 2015. Collection method: clinical testing. Allele origin: germline.

Color Diagnostics, LLC DBA Color Health
Classification: Likely benign for Tuberous sclerosis syndrome. Last evaluated: 2022-11-06. Review status: criteria provided, single submitter. Criteria: ACMG Guidelines, 2015. Collection method: clinical testing. Allele origin: germline.

Genome-Nilou Lab
Classification: Benign for Tuberous sclerosis 1. Last evaluated: 2021-11-07. Review status: criteria provided, single submitter. Criteria: ACMG Guidelines, 2015. Collection method: clinical testing. Allele origin: germline. Affected: no.

Ambry Genetics
Classification: Likely benign for Hereditary cancer-predisposing syndrome. Last evaluated: 2015-12-17. Review status: criteria provided, single submitter. Criteria: Ambry Variant Classification Scheme 2023. Collection method: clinical testing. Allele origin: germline.